The following is an entry in ClinVar:

ClinVar aggregate classification (germline): Pathogenic (1 of 4 stars; one submission).

Submission:

Labcorp Genetics (formerly Invitae), Labcorp
Classification: Pathogenic. Last evaluated: 2022-02-02. Review status: criteria provided, single submitter. Criteria: Invitae Variant Classification Sherloc (09022015). Collection method: clinical testing. Allele origin: germline.
Comment: This variant is not present in population databases (gnomAD no frequency). This sequence change replaces proline, which is neutral and non-polar, with serine, which is neutral and polar, at codon 2212 of the NSD1 protein (p.Pro2212Ser). This missense change has been observed in individual(s) with clinical features of Sotos syndrome (Invitae). In at least one individual the variant was observed to be de novo. Advanced modeling of protein sequence and biophysical properties (such as structural, functional, and spatial information, amino acid conservation, physicochemical variation, residue mobility, and thermodynamic stability) performed at Invitae indicates that this missense variant is expected to disrupt NSD1 protein function. For these reasons, this variant has been classified as Pathogenic.

NM_022455.5(NSD1):c.6634C>T (p.Pro2212Ser)

Gene: NSD1 (nuclear receptor binding SET domain protein 1; plus strand). Cytogenetic location: 5q35.3.
Variant type: single nucleotide variant.
Coding change: c.6634C>T on transcript NM_022455.5 (MANE Select); coding-DNA position 6634, C replaced by T.
Protein change: p.Pro2212Ser; replaces proline 2212 with serine.
Molecular consequence: missense variant.
Genome position (GRCh38, 1-based): chr5:177,294,002, C>T. VCF-style: chr5-177294002-C-T. GRCh37 (hg19) VCF-style: chr5-176721003-C-T.
Other names: c.5872C>T, p.Pro1958Ser (NM_001409306.1, NM_001409307.1); c.5761C>T, p.Pro1921Ser (NM_001409308.1, NM_172349.5, NM_001365684.2); c.5512C>T, p.Pro1838Ser (NM_001409309.1); c.6634C>T, p.Pro2212Ser (NM_001409301.1, NM_001409302.1, NM_001409303.1); c.6214C>T, p.Pro2072Ser (NM_001409304.1); c.5881C>T, p.Pro1961Ser (NM_001409305.1); short protein forms P1838S, P1943S, P1958S, P1961S, P2072S, P2212S, P1921S.
Identifiers: ClinVar variation 2076910 (VCV002076910.4), dbSNP rs2480829436, ClinGen allele CA362324506.